The following is an entry in ClinVar:

NM_139076.3(ABRAXAS1):c.971C>G (p.Thr324Ser)

Gene: ABRAXAS1 (abraxas 1, BRCA1 A complex subunit; minus strand). Cytogenetic location: 4q21.23.
Variant type: single nucleotide variant.
Coding change: c.971C>G on transcript NM_139076.3 (MANE Select); coding-DNA position 971, C replaced by G.
Protein change: p.Thr324Ser; replaces threonine 324 with serine.
Molecular consequence: missense variant.
Genome position (GRCh38, 1-based): chr4:83,462,728, G>C on the plus strand (C>G on the coding strand, the complement: ABRAXAS1 is on the minus strand). VCF-style: chr4-83462728-G-C. GRCh37 (hg19) VCF-style: chr4-84383881-G-C.
Other names: c.644C>G, p.Thr215Ser (NM_001345962.2); short protein forms T324S, T215S.
Identifiers: ClinVar variation 2563995 (VCV002563995.2), dbSNP rs1300187794, ClinGen allele CA357255699.

ClinVar aggregate classification (germline): Uncertain significance (1 of 4 stars; one submission).

Submission:

Ambry Genetics
Classification: Uncertain significance. Last evaluated: 2023-04-18. Review status: criteria provided, single submitter. Criteria: Ambry Variant Classification Scheme 2023. Collection method: clinical testing. Allele origin: germline.
Comment: The p.T324S variant (also known as c.971C>G), located in coding exon 9 of the FAM175A gene, results from a C to G substitution at nucleotide position 971. The threonine at codon 324 is replaced by serine, an amino acid with similar properties. This amino acid position is conserved. In addition, this alteration is predicted to be tolerated by in silico analysis. Since supporting evidence is limited at this time, the clinical significance of this alteration remains unclear.